The following is an entry in ClinVar:

ClinVar aggregate classification (germline): Uncertain significance. Review status: criteria provided, multiple submitters, no conflicts (2 of 4 stars). 2 submissions from 2 submitters: Uncertain significance (2). Last evaluated 2026-09-03.

Conditions:
Inborn genetic diseases. Identifiers: MedGen C0950123, MeSH D030342.

Submissions (2):

GeneDx
Classification: Uncertain significance. Last evaluated: 2026-09-03. Review status: criteria provided, single submitter. Criteria: GeneDx Variant Classification Process June 2021. Collection method: clinical testing. Allele origin: germline.
Comment: Not observed at significant frequency in large population cohorts (gnomAD); In silico analysis suggests that this missense variant does not alter protein structure/function; Has not been previously published as pathogenic or benign to our knowledge

Ambry Genetics
Classification: Uncertain significance for Inborn genetic diseases. Last evaluated: 2025-04-29. Review status: criteria provided, single submitter. Criteria: Ambry Variant Classification Scheme 2023. Collection method: clinical testing. Allele origin: germline.

NM_197968.4(ZMYM2):c.1633T>C (p.Phe545Leu)

Gene: ZMYM2 (zinc finger MYM-type containing 2; plus strand). Cytogenetic location: 13q12.11.
Variant type: single nucleotide variant.
Coding change: c.1633T>C on transcript NM_197968.4 (MANE Select); coding-DNA position 1633, T replaced by C.
Protein change: p.Phe545Leu; replaces phenylalanine 545 with leucine.
Molecular consequence: missense variant. On other transcripts: non-coding transcript variant (1).
Genome position (GRCh38, 1-based): chr13:20,026,660, T>C. VCF-style: chr13-20026660-T-C. GRCh37 (hg19) VCF-style: chr13-20600800-T-C.
Other names: c.1633T>C (NM_003453.3); c.1633T>C, p.Phe545Leu (NM_001190964.4, NM_001190965.4, NM_001353157.2 and 5 more transcripts); c.1438T>C, p.Phe480Leu (NM_001353161.3); c.1372T>C, p.Phe458Leu (NM_001353163.2); short protein forms F458L, F480L, F545L.
Identifiers: ClinVar variation 2662049 (VCV002662049.3), dbSNP rs1594438244, ClinGen allele CA387672292.